The following is an entry in ClinVar:

ClinVar aggregate classification (germline): Uncertain significance (1 of 4 stars; one submission).

Allele frequency attached by ClinVar (database versions not stated): TOPMed below 0.00001.
gnomAD v4.1: 1 of 1,613,478 alleles (0.000062%); highest among the groups gnomAD compares: Non-Finnish European, 0.000085%; no homozygotes.

Submission:

Labcorp Genetics (formerly Invitae), Labcorp
Classification: Uncertain significance. Last evaluated: 2023-07-10. Review status: criteria provided, single submitter. Criteria: Invitae Variant Classification Sherloc (09022015). Collection method: clinical testing. Allele origin: germline.
Comment: In summary, the available evidence is currently insufficient to determine the role of this variant in disease. Therefore, it has been classified as a Variant of Uncertain Significance. Advanced modeling of protein sequence and biophysical properties (such as structural, functional, and spatial information, amino acid conservation, physicochemical variation, residue mobility, and thermodynamic stability) performed at Invitae indicates that this missense variant is not expected to disrupt STAT4 protein function. ClinVar contains an entry for this variant (Variation ID: 1481316). This variant has not been reported in the literature in individuals affected with STAT4-related conditions. This variant is not present in population databases (gnomAD no frequency). This sequence change replaces glycine, which is neutral and non-polar, with aspartic acid, which is acidic and polar, at codon 531 of the STAT4 protein (p.Gly531Asp).

NM_003151.4(STAT4):c.1592G>A (p.Gly531Asp)

Gene: STAT4 (signal transducer and activator of transcription 4; minus strand). Cytogenetic location: 2q32.2.
Variant type: single nucleotide variant.
Coding change: c.1592G>A on transcript NM_003151.4 (MANE Select); coding-DNA position 1592, G replaced by A.
Protein change: p.Gly531Asp; replaces glycine 531 with aspartic acid.
Molecular consequence: missense variant.
Genome position (GRCh38, 1-based): chr2:191,034,576, C>T on the plus strand (G>A on the coding strand, the complement: STAT4 is on the minus strand). VCF-style: chr2-191034576-C-T. GRCh37 (hg19) VCF-style: chr2-191899302-C-T.
Other names: c.1592G>A, p.Gly531Asp (NM_001243835.2); short protein forms G531D.
Identifiers: ClinVar variation 1481316 (VCV001481316.6), dbSNP rs1695993768, ClinGen allele CA349908539.